The following is an entry in ClinVar:

ClinVar aggregate classification (germline): Uncertain significance (1 of 4 stars; one submission).

Conditions:
Familial adenomatous polyposis 1 (FAP1). Also called: POLYPOSIS, ADENOMATOUS INTESTINAL; FAMILIAL ADENOMATOUS POLYPOSIS 1, ATTENUATED. Identifiers: MedGen C2713442, MONDO:0021056, OMIM 175100. Disease mechanism: loss of function.

Submission:

Labcorp Genetics (formerly Invitae), Labcorp
Classification: Uncertain significance for Familial adenomatous polyposis 1. Last evaluated: 2021-05-11. Review status: criteria provided, single submitter. Criteria: Invitae Variant Classification Sherloc (09022015). Collection method: clinical testing. Allele origin: germline.
Comment: This sequence change replaces isoleucine with threonine at codon 2167 of the APC protein (p.Ile2167Thr). The isoleucine residue is highly conserved and there is a moderate physicochemical difference between isoleucine and threonine. This variant is not present in population databases (ExAC no frequency). This variant has not been reported in the literature in individuals with APC-related conditions. Algorithms developed to predict the effect of missense changes on protein structure and function (SIFT, PolyPhen-2, Align-GVGD) all suggest that this variant is likely to be disruptive, but these predictions have not been confirmed by published functional studies and their clinical significance is uncertain. In summary, the available evidence is currently insufficient to determine the role of this variant in disease. Therefore, it has been classified as a Variant of Uncertain Significance.

NM_000038.6(APC):c.6500T>C (p.Ile2167Thr)

Gene: APC (APC regulator of Wnt signaling pathway; plus strand). Cytogenetic location: 5q22.2.
Variant type: single nucleotide variant.
Coding change: c.6500T>C on transcript NM_000038.6 (MANE Select); coding-DNA position 6500, T replaced by C.
Protein change: p.Ile2167Thr; replaces isoleucine 2167 with threonine.
Molecular consequence: missense variant.
Genome position (GRCh38, 1-based): chr5:112,842,094, T>C. VCF-style: chr5-112842094-T-C. GRCh37 (hg19) VCF-style: chr5-112177791-T-C.
Other names: c.6500T>C, p.Ile2167Thr (NM_001127510.3, NM_001354895.2); c.6446T>C, p.Ile2149Thr (NM_001127511.3); c.6554T>C, p.Ile2185Thr (NM_001354896.2); c.6530T>C, p.Ile2177Thr (NM_001354897.2); c.6425T>C, p.Ile2142Thr (NM_001354898.2); c.6416T>C, p.Ile2139Thr (NM_001354899.2); c.6377T>C, p.Ile2126Thr (NM_001354900.2); c.6323T>C, p.Ile2108Thr (NM_001354901.2); and 5 more; short protein forms I1884T, I2007T, I2041T, I2126T, I2139T, I2167T, I2066T, I2108T.
Identifiers: ClinVar variation 1364567 (VCV001364567.8), dbSNP rs2149966308, ClinGen allele CA16035553.